The following is an entry in ClinVar:

ClinVar aggregate classification (germline): Uncertain significance. Review status: criteria provided, multiple submitters, no conflicts (2 of 4 stars). 2 submissions from 2 submitters: Uncertain significance (2). Last evaluated 2021-08-30.

Conditions:
Autosomal recessive limb-girdle muscular dystrophy type R18 (LGMDR18). Also called: MUSCULAR DYSTROPHY, LIMB-GIRDLE, AUTOSOMAL RECESSIVE 18; Limb-girdle muscular dystrophy, type 2S; Autosomal recessive limb-girdle muscular dystrophy type 2S. Identifiers: Orphanet 369840, MedGen C4517996, MONDO:0014144, OMIM 615356.

Allele frequency attached by ClinVar (database versions not stated): gnomAD exomes 0.00002; TOPMed 0.00002; gnomAD 0.00004; 1000 Genomes Project 30x 0.00016; 1000 Genomes Project 0.00020.
gnomAD v4.1: 34 of 1,613,790 alleles (0.0021%); highest among the groups gnomAD compares: East Asian, 0.0067%; no homozygotes.

Submissions (2):

Labcorp Genetics (formerly Invitae), Labcorp
Classification: Uncertain significance for Autosomal recessive limb-girdle muscular dystrophy type R18. Last evaluated: 2021-08-30. Review status: criteria provided, single submitter. Criteria: Invitae Variant Classification Sherloc (09022015). Collection method: clinical testing. Allele origin: germline.
Comment: This sequence change replaces alanine with threonine at codon 118 of the TRAPPC11 protein (p.Ala118Thr). The alanine residue is highly conserved and there is a small physicochemical difference between alanine and threonine. This variant is present in population databases (rs577423330, ExAC 0.005%). This variant has not been reported in the literature in individuals affected with TRAPPC11-related conditions. Algorithms developed to predict the effect of missense changes on protein structure and function are either unavailable or do not agree on the potential impact of this missense change (SIFT: "Tolerated"; PolyPhen-2: "Possibly Damaging"; Align-GVGD: "Class C0"). In summary, the available evidence is currently insufficient to determine the role of this variant in disease. Therefore, it has been classified as a Variant of Uncertain Significance.

Breakthrough Genomics
Classification: Uncertain significance. Review status: criteria provided, single submitter. Criteria: ACMG Guidelines, 2015. Collection method: not provided. Allele origin: germline. Inheritance: Autosomal recessive inheritance. Affected: yes.

NM_021942.6(TRAPPC11):c.352G>A (p.Ala118Thr)

Gene: TRAPPC11 (trafficking protein particle complex subunit 11; plus strand). Cytogenetic location: 4q35.1.
Variant type: single nucleotide variant.
Coding change: c.352G>A on transcript NM_021942.6 (MANE Select); coding-DNA position 352, G replaced by A.
Protein change: p.Ala118Thr; replaces alanine 118 with threonine.
Molecular consequence: missense variant.
Genome position (GRCh38, 1-based): chr4:183,666,404, G>A. VCF-style: chr4-183666404-G-A. GRCh37 (hg19) VCF-style: chr4-184587557-G-A.
Other names: c.352G>A, p.Ala118Thr (NM_199053.3); short protein forms A118T.
Identifiers: ClinVar variation 861878 (VCV000861878.4), dbSNP rs577423330, ClinGen allele CA3151553.